The following is an entry in ClinVar:

ClinVar aggregate classification (germline): Benign/Likely benign. Review status: criteria provided, multiple submitters, no conflicts (2 of 4 stars). 3 submissions from 3 submitters: Benign (2); Likely benign (1). Last evaluated 2025-07-28.

Conditions:
Focal segmental glomerulosclerosis 5 (FSGS5). Identifiers: Orphanet 656, MedGen C2750475, MONDO:0013191, OMIM 613237.
Charcot-Marie-Tooth disease dominant intermediate E. Also called: CHARCOT-MARIE-TOOTH NEUROPATHY WITH FOCAL SEGMENTAL GLOMERULONEPHRITIS. Identifiers: Orphanet 93114, MedGen C4302667, MONDO:0013758, OMIM 614455.

Allele frequency attached by ClinVar (database versions not stated): TOPMed 0.00007; 1000 Genomes Project 30x 0.00016; gnomAD exomes 0.00066 and 0.00176; gnomAD 0.00152 and 0.00163; ExAC 0.00177.
gnomAD v4.1: 1,132 of 1,535,898 alleles (0.074%); highest among the groups gnomAD compares: Non-Finnish European, 0.011%; 9 homozygotes.

Submissions (3):

Labcorp Genetics (formerly Invitae), Labcorp
Classification: Benign for Charcot-Marie-Tooth disease dominant intermediate E; Focal segmental glomerulosclerosis 5. Last evaluated: 2025-07-28. Review status: criteria provided, single submitter. Criteria: Invitae Variant Classification Sherloc (09022015). Collection method: clinical testing. Allele origin: germline.

Blueprint Genetics
Classification: Likely benign. Last evaluated: 2024-11-22. Review status: criteria provided, single submitter. Criteria: ACMG Guidelines, 2015. Collection method: clinical testing. Allele origin: germline.

Illumina Laboratory Services, Illumina
Classification: Benign for Focal segmental glomerulosclerosis 5. Last evaluated: 2018-01-12. Review status: criteria provided, single submitter. Criteria: ICSL Variant Classification Criteria 13 December 2019. Collection method: clinical testing. Allele origin: germline.
Comment: This variant was observed in the ICSL laboratory as part of a predisposition screen in an ostensibly healthy population. It had not been previously curated by ICSL or reported in the Human Gene Mutation Database (HGMD: prior to June 1st, 2018), and was therefore a candidate for classification through an automated scoring system. Utilizing variant allele frequency, disease prevalence and penetrance estimates, and inheritance mode, an automated score was calculated to assess if this variant is too frequent to cause the disease. Based on the score and internal cut-off values, a variant classified as benign is not then subjected to further curation. The score for this variant resulted in a classification of benign for this disease.

NM_022489.4(INF2):c.3694+13G>C

Gene: INF2 (inverted formin 2; plus strand). Cytogenetic location: 14q32.33.
Variant type: single nucleotide variant.
Coding change: c.3694+13G>C on transcript NM_022489.4 (MANE Select); 13 bases into the intron after coding-DNA position 3694, G replaced by C.
Molecular consequence: intron variant.
Genome position (GRCh38, 1-based): chr14:104,714,869, G>C. VCF-style: chr14-104714869-G-C. GRCh37 (hg19) VCF-style: chr14-105181206-G-C.
Other names: c.3694+13G>C (NM_001031714.4).
Identifiers: ClinVar variation 882734 (VCV000882734.12), dbSNP rs776214809, ClinGen allele CA7373349.